The following is an entry in ClinVar:

NM_004655.4(AXIN2):c.627C>T (p.Tyr209=)

Gene: AXIN2 (axin 2; minus strand). Cytogenetic location: 17q24.1.
Variant type: single nucleotide variant.
Coding change: c.627C>T on transcript NM_004655.4 (MANE Select); coding-DNA position 627, C replaced by T.
Protein change: p.Tyr209=; no amino-acid change (tyrosine 209 retained).
Molecular consequence: synonymous variant.
Genome position (GRCh38, 1-based): chr17:65,557,994, G>A on the plus strand (C>T on the coding strand, the complement: AXIN2 is on the minus strand). VCF-style: chr17-65557994-G-A. GRCh37 (hg19) VCF-style: chr17-63554112-G-A.
Other names: c.627C>T, p.Tyr209= (NM_001363813.1).
Identifiers: ClinVar variation 1924295 (VCV001924295.7), dbSNP rs2144583854, ClinGen allele CA501691596.

ClinVar aggregate classification (germline): Benign/Likely benign. Review status: criteria provided, multiple submitters, no conflicts (2 of 4 stars). 3 submissions from 3 submitters: Benign (1); Likely benign (2). Last evaluated 2026-08-04.

Conditions:
Hereditary cancer-predisposing syndrome. Also called: Hereditary neoplastic syndrome; Neoplastic Syndromes, Hereditary; Tumor predisposition; Hereditary Cancer Syndrome. Identifiers: Orphanet 140162, MedGen C0027672, MeSH D009386, MONDO:0015356.
Oligodontia-cancer predisposition syndrome. Also called: TOOTH AGENESIS-COLORECTAL CANCER SYNDROME. Identifiers: Orphanet 300576, MedGen C1837750, MONDO:0012075, OMIM 608615. Disease mechanism: loss of function.

Submissions (3):

Ambry Genetics
Classification: Likely benign for Hereditary cancer-predisposing syndrome. Last evaluated: 2026-08-04. Review status: criteria provided, single submitter. Criteria: Ambry Variant Classification Scheme 2023. Collection method: clinical testing. Allele origin: germline.

Myriad Genetics, Inc.
Classification: Benign for Oligodontia-cancer predisposition syndrome. Last evaluated: 2024-06-27. Review status: criteria provided, single submitter. Criteria: Myriad Autosomal Dominant, Autosomal Recessive and X-Linked Classification Criteria (2023). Collection method: clinical testing. Allele origin: unknown.
Comment: This variant is considered benign. This variant is a silent/synonymous amino acid change and it is not expected to impact splicing.

Labcorp Genetics (formerly Invitae), Labcorp
Classification: Likely benign for Oligodontia-cancer predisposition syndrome. Last evaluated: 2023-05-10. Review status: criteria provided, single submitter. Criteria: Invitae Variant Classification Sherloc (09022015). Collection method: clinical testing. Allele origin: germline.